The following is an entry in ClinVar:

NM_020699.4(GATAD2B):c.410G>T (p.Arg137Leu)

Gene: GATAD2B (GATA zinc finger domain containing 2B; minus strand). Cytogenetic location: 1q21.3.
Variant type: single nucleotide variant.
Coding change: c.410G>T on transcript NM_020699.4 (MANE Select); coding-DNA position 410, G replaced by T.
Protein change: p.Arg137Leu; replaces arginine 137 with leucine.
Molecular consequence: missense variant.
Genome position (GRCh38, 1-based): chr1:153,819,661, C>A on the plus strand (G>T on the coding strand, the complement: GATAD2B is on the minus strand). VCF-style: chr1-153819661-C-A. GRCh37 (hg19) VCF-style: chr1-153792137-C-A.
Other names: short protein forms R137L.
Identifiers: ClinVar variation 1906670 (VCV001906670.5), dbSNP rs368663587, ClinGen allele CA1120872.

ClinVar aggregate classification (germline): Uncertain significance (1 of 4 stars; one submission).

Submission:

Labcorp Genetics (formerly Invitae), Labcorp
Classification: Uncertain significance. Last evaluated: 2024-01-21. Review status: criteria provided, single submitter. Criteria: Invitae Variant Classification Sherloc (09022015). Collection method: clinical testing. Allele origin: germline.
Comment: This sequence change replaces arginine, which is basic and polar, with leucine, which is neutral and non-polar, at codon 137 of the GATAD2B protein (p.Arg137Leu). This variant is present in population databases (rs368663587, gnomAD 0.003%). This variant has not been reported in the literature in individuals affected with GATAD2B-related conditions. ClinVar contains an entry for this variant (Variation ID: 1906670). Advanced modeling of protein sequence and biophysical properties (such as structural, functional, and spatial information, amino acid conservation, physicochemical variation, residue mobility, and thermodynamic stability) performed at Invitae indicates that this missense variant is not expected to disrupt GATAD2B protein function with a negative predictive value of 80%. In summary, the available evidence is currently insufficient to determine the role of this variant in disease. Therefore, it has been classified as a Variant of Uncertain Significance.